The following is an entry in ClinVar:

ClinVar aggregate classification (germline): Likely benign. Review status: criteria provided, single submitter (1 of 4 stars). 2 submissions from 2 submitters: Likely benign (1). 1 of the submissions does not count toward it. Last evaluated 2025-03-10.

Conditions:
Corticosteroids response. Also called: Corticosteroid response.

Allele frequency attached by ClinVar (database versions not stated): gnomAD below 0.00001 and 0.00013; TOPMed 0.00002; ExAC 0.00026; 1000 Genomes Project 0.00060; 1000 Genomes Project 30x 0.00109.
gnomAD v4.1: 208 of 1,613,506 alleles (0.013%); highest among the groups gnomAD compares: South Asian, 0.21%; 1 homozygote.

Submissions (2):

Labcorp Genetics (formerly Invitae), Labcorp
Classification: Likely benign. Last evaluated: 2025-03-10. Review status: criteria provided, single submitter. Criteria: Invitae Variant Classification Sherloc (09022015). Collection method: clinical testing. Allele origin: germline.

Genetic Testing Lab, Ashok and Rita Patel Institute of Integrated Study and Research in Biotechnology and Allied Sciences
Classification: drug response for Corticosteroid response. Last evaluated: 2020-01-12. Review status: no assertion criteria provided. Collection method: research. Allele origin: somatic. Affected: yes. Observed: 37 variant alleles. Not counted in ClinVar's aggregate classification.
Comment: Depending upon response to standard corticosteroid therapy, patients were classified to be either Steroid resistant (SRNS) or steroid sensitive (SSNS). Patients in remission within 4 weeks of corticosteroid therapy were classified as steroid sensitive nephrotic syndrome (SSNS). Patients not in remission within 4 weeks of corticosteroid therapy were classified as Steroid resistant nephrotic syndrome (SRNS).

NM_012120.3(CD2AP):c.62G>A (p.Arg21Gln)

Gene: CD2AP (CD2 associated protein; plus strand). Cytogenetic location: 6p12.3.
Variant type: single nucleotide variant.
Coding change: c.62G>A on transcript NM_012120.3 (MANE Select); coding-DNA position 62, G replaced by A.
Protein change: p.Arg21Gln; replaces arginine 21 with glutamine.
Molecular consequence: missense variant.
Genome position (GRCh38, 1-based): chr6:47,503,337, G>A. VCF-style: chr6-47503337-G-A. GRCh37 (hg19) VCF-style: chr6-47471073-G-A.
Other names: short protein forms R21Q.
Identifiers: ClinVar variation 981943 (VCV000981943.11), dbSNP rs559978848, ClinGen allele CA3843882.